The following is an entry in ClinVar:

ClinVar aggregate classification (germline): Uncertain significance (1 of 4 stars; one submission).

Conditions:
Hereditary cancer-predisposing syndrome. Also called: Tumor predisposition; Neoplastic Syndromes, Hereditary; Hereditary neoplastic syndrome; Hereditary Cancer Syndrome. Identifiers: Orphanet 140162, MedGen C0027672, MeSH D009386, MONDO:0015356.

Submission:

Ambry Genetics
Classification: Uncertain significance for Hereditary cancer-predisposing syndrome. Last evaluated: 2025-06-20. Review status: criteria provided, single submitter. Criteria: Ambry Variant Classification Scheme 2023. Collection method: clinical testing. Allele origin: germline.
Comment: The p.I912F variant (also known as c.2734A>T), located in coding exon 20 of the MSH3 gene, results from an A to T substitution at nucleotide position 2734. The isoleucine at codon 912 is replaced by phenylalanine, an amino acid with highly similar properties. This amino acid position is conserved. In addition, the in silico prediction for this alteration is inconclusive. Based on the available evidence, the clinical significance of this variant remains unclear.

NM_002439.5(MSH3):c.2734A>T (p.Ile912Phe)

Gene: MSH3 (mutS homolog 3; plus strand). Cytogenetic location: 5q14.1.
Variant type: single nucleotide variant.
Coding change: c.2734A>T on transcript NM_002439.5 (MANE Select); coding-DNA position 2734, A replaced by T.
Protein change: p.Ile912Phe; replaces isoleucine 912 with phenylalanine.
Molecular consequence: missense variant.
Genome position (GRCh38, 1-based): chr5:80,813,662, A>T. VCF-style: chr5-80813662-A-T. GRCh37 (hg19) VCF-style: chr5-80109481-A-T.
Other names: short protein forms I912F.
Identifiers: ClinVar variation 4111080 (VCV004111080.1).